The following is an entry in ClinVar:

NM_020117.11(LARS1):c.3009G>A (p.Met1003Ile)

Gene: LARS1 (leucyl-tRNA synthetase 1; minus strand). Cytogenetic location: 5q32.
Variant type: single nucleotide variant.
Coding change: c.3009G>A on transcript NM_020117.11 (MANE Select); coding-DNA position 3009, G replaced by A.
Protein change: p.Met1003Ile; replaces methionine 1003 with isoleucine.
Molecular consequence: missense variant.
Genome position (GRCh38, 1-based): chr5:146,124,069, C>T on the plus strand (G>A on the coding strand, the complement: LARS1 is on the minus strand). VCF-style: chr5-146124069-C-T. GRCh37 (hg19) VCF-style: chr5-145503632-C-T.
Other names: c.2871G>A, p.Met957Ile (NM_001317964.2); c.2847G>A, p.Met949Ile (NM_001317965.2); c.2928G>A, p.Met976Ile (NM_016460.4); short protein forms M1003I, M957I, M976I, M949I.
Identifiers: ClinVar variation 2126640 (VCV002126640.4), dbSNP rs2532754647, ClinGen allele CA361610141.

ClinVar aggregate classification (germline): Uncertain significance (1 of 4 stars; one submission).

Submission:

Labcorp Genetics (formerly Invitae), Labcorp
Classification: Uncertain significance. Last evaluated: 2022-04-25. Review status: criteria provided, single submitter. Criteria: Invitae Variant Classification Sherloc (09022015). Collection method: clinical testing. Allele origin: germline.
Comment: In summary, the available evidence is currently insufficient to determine the role of this variant in disease. Therefore, it has been classified as a Variant of Uncertain Significance. Algorithms developed to predict the effect of missense changes on protein structure and function are either unavailable or do not agree on the potential impact of this missense change (SIFT: "Not Available"; PolyPhen-2: "Benign"; Align-GVGD: "Not Available"). This variant has not been reported in the literature in individuals affected with LARS-related conditions. This variant is not present in population databases (gnomAD no frequency). This sequence change replaces methionine, which is neutral and non-polar, with isoleucine, which is neutral and non-polar, at codon 1003 of the LARS protein (p.Met1003Ile).